The following is an entry in ClinVar:

NM_000059.4(BRCA2):c.8632+2T>C

Gene: BRCA2 (BRCA2 DNA repair associated; plus strand). Cytogenetic location: 13q13.1.
Variant type: single nucleotide variant.
Coding change: c.8632+2T>C on transcript NM_000059.4 (MANE Select); the canonical splice donor site of the intron after coding-DNA position 8632, T replaced by C.
Molecular consequence: splice donor variant.
Genome position (GRCh38, 1-based): chr13:32,371,102, T>C. VCF-style: chr13-32371102-T-C. GRCh37 (hg19) VCF-style: chr13-32945239-T-C.
Other names: c.8632+2T>C (NM_000059.3, NM_001406720.1); c.8536+2T>C (NM_001406719.1); c.3700+2T>C (NM_001406721.1); c.2215+2T>C (NM_001406722.1).
Identifiers: ClinVar variation 1460449 (VCV001460449.15), dbSNP rs397507998, ClinGen allele CA387753034.
Genomic context (GRCh38, chr13:32,371,102, plus strand): 5'-ACAAAAGAGACTAGAAGCCTTATTCACTAAAATTCAGGAGGAATTTGAAGAACATGAAGG[T>C]AAAATTAGTTATATGGTACACATTGTTATTTCTAATATGAGAACAAAGTCTTAGAGACTT-3'

ClinVar aggregate classification (germline): Pathogenic. Review status: criteria provided, multiple submitters, no conflicts (2 of 4 stars). 4 submissions from 4 submitters: Pathogenic (4). Last evaluated 2025-04-03.

Conditions:
Hereditary cancer-predisposing syndrome. Also called: Neoplastic Syndromes, Hereditary; Hereditary Cancer Syndrome; Tumor predisposition; Hereditary neoplastic syndrome. Identifiers: Orphanet 140162, MedGen C0027672, MeSH D009386, MONDO:0015356.
Familial cancer of breast. Also called: Hereditary breast cancer; BREAST CANCER, FAMILIAL; hereditary breast carcinoma. Identifiers: Orphanet 227535, MedGen C0346153, MONDO:0016419, OMIM 114480. Disease mechanism: loss of function.
Hereditary breast ovarian cancer syndrome. Also called: Hereditary breast and ovarian cancer syndrome; Hereditary breast and ovarian cancer; Hereditary breast and ovarian cancer syndrome (HBOC); Hereditary breast and/or ovarian cancer syndrome; Breast and ovarian cancer; BRCA1- and BRCA2-Associated Hereditary Breast and Ovarian Cancer. Identifiers: Orphanet 145, MedGen C0677776, MeSH D061325, MONDO:0003582. Disease mechanism: loss of function.
Breast-ovarian cancer, familial, susceptibility to, 2 (BROVCA2). Also called: BRCA2 Hereditary Breast and Ovarian Cancer. Identifiers: Orphanet 145, MedGen C2675520, MONDO:0012933, OMIM 612555. Disease mechanism: loss of function.

Submissions (5):

Ambry Genetics
Classification: Pathogenic for Hereditary cancer-predisposing syndrome. Last evaluated: 2025-04-03. Review status: criteria provided, single submitter. Criteria: Ambry Variant Classification Scheme 2023. Collection method: clinical testing. Allele origin: germline.
Comment: The c.8632+2T>C intronic pathogenic mutation results from a T to C substitution two nucleotides after coding exon 19 in the BRCA2 gene. This variant was detected in 1/310 patients with breast cancer and at least one high-risk criteria (Abulkhair O et al. J Glob Oncol, 2018 Aug;4:1-9). Two saturation genome editing-based studies, including a haploid cell-survival assay and a humanized mouse embryonic stem cell line assay of drug response and survival, demonstrate that this nucleotide substitution is non-functional (Huang H et al. Nature. 2025 Feb;638(8050):528-537; Sahu S et al. Nature. 2025 Feb;638(8050):538-545). This variant is considered to be rare based on population cohorts in the Genome Aggregation Database (gnomAD). This nucleotide position is highly conserved in available vertebrate species. In silico splice site analysis predicts that this alteration will weaken the native splice donor site and will result in the creation or strengthening of a novel splice donor site. RNA studies have demonstrated that this alteration results in abnormal splicing in the set of samples tested (Ambry internal data). In addition to the clinical data presented in the literature, alterations that disrupt the canonical splice site are expected to cause aberrant splicing, resulting in an abnormal protein or a transcript that is subject to nonsense-mediated mRNA decay. Based on the supporting evidence, this variant is interpreted as a disease-causing mutation.

Labcorp Genetics (formerly Invitae), Labcorp
Classification: Pathogenic for Hereditary breast ovarian cancer syndrome. Last evaluated: 2024-12-15. Review status: criteria provided, single submitter. Criteria: Invitae Variant Classification Sherloc (09022015). Collection method: clinical testing. Allele origin: germline.
Comment: This sequence change affects a donor splice site in intron 20 of the BRCA2 gene. RNA analysis indicates that disruption of this splice site induces altered splicing and may result in an absent or altered protein product. This variant is not present in population databases (gnomAD no frequency). Disruption of this splice site has been observed in individual(s) with breast and/or ovarian cancer (PMID: 28975465, 30199306). This variant is also known as c.8633+2T>C. ClinVar contains an entry for this variant (Variation ID: 1460449). Based on a multifactorial likelihood algorithm using genetic, in silico, and/or statistical data, this variant has been determined to have a high probability of being pathogenic (PMID: 31131967). Studies have shown that disruption of this splice site results in skipping of exon 20, and produces a non-functional protein and/or introduces a premature termination codon (PMID: 24212087, 29774201, 30101128, 30623411). For these reasons, this variant has been classified as Pathogenic.

KCCC/NGS Laboratory, Kuwait Cancer Control Center
Classification: Pathogenic for Breast-ovarian cancer, familial, susceptibility to, 2. Last evaluated: 2024-04-03. Review status: criteria provided, single submitter. Criteria: ACMG Guidelines, 2015. Collection method: clinical testing. Allele origin: germline. Inheritance: Autosomal dominant inheritance. Affected: yes. Observed: 1 heterozygote.
Comment: This sequence change affects a donor splice site in intron 20 of the BRCA2 gene. RNA analysis indicates that disruption of this splice site induces altered splicing and may result in an absent or disrupted protein product. This variant is not present in population databases (gnomAD no frequency). Disruption of this splice site has been observed in individual(s) with breast and/or ovarian cancer (PMID: 28975465, 30199306). This variant is also known as c.8633+2T>C. ClinVar contains an entry for this variant (Variation ID: 1460449). Based on a multifactorial likelihood algorithm using genetic, in silico, and/or statistical data, this variant has been determined to have a high probability of being pathogenic (PMID: 31131967). Studies have shown that disruption of this splice site results in skipping of exon 20 and introduces a premature termination codon (PMID: 24212087, 29774201, 30101128, 30623411). The resulting mRNA is expected to undergo nonsense-mediated decay. For these reasons, this variant has been classified as Pathogenic.

Baylor Genetics
Classification: Pathogenic for Familial cancer of breast. Last evaluated: 2022-07-23. Review status: criteria provided, single submitter. Criteria: ACMG Guidelines, 2015. Collection method: clinical testing. Allele origin: unknown.

Dr. Peter K. Rogan Lab, Western University
No classification provided (evidence only). Condition: Papillary renal cell carcinoma type 1. Review status: no classification provided. Collection method: in vitro. Allele origin: not applicable. Functional consequence: retained intron. Not counted in ClinVar's aggregate classification.

Literature cited by the submitters: PubMed 30199306 (cited by Ambry Genetics and Labcorp Genetics (formerly Invitae), Labcorp); PubMed 28975465 (cited by Labcorp Genetics (formerly Invitae), Labcorp); PubMed 31131967 (cited by Labcorp Genetics (formerly Invitae), Labcorp); PubMed 24212087 (cited by Labcorp Genetics (formerly Invitae), Labcorp); PubMed 29774201 (cited by Labcorp Genetics (formerly Invitae), Labcorp); PubMed 30101128 (cited by Labcorp Genetics (formerly Invitae), Labcorp); PubMed 30623411 (cited by Labcorp Genetics (formerly Invitae), Labcorp).